The following is an entry in ClinVar:

NM_000059.4(BRCA2):c.4375A>G (p.Asn1459Asp)

Gene: BRCA2 (BRCA2 DNA repair associated; plus strand). Cytogenetic location: 13q13.1.
Variant type: single nucleotide variant.
Coding change: c.4375A>G on transcript NM_000059.4 (MANE Select); coding-DNA position 4375, A replaced by G.
Protein change: p.Asn1459Asp; replaces asparagine 1459 with aspartic acid.
Molecular consequence: missense variant. On other transcripts: non-coding transcript variant (1), intron variant (2).
Genome position (GRCh38, 1-based): chr13:32,338,730, A>G. VCF-style: chr13-32338730-A-G. GRCh37 (hg19) VCF-style: chr13-32912867-A-G.
Other names: c.4375A>G, p.Asn1459Asp (NM_001406719.1, NM_001406720.1, NM_001432077.1); c.1909+5343A>G (NM_001406721.1); c.425-5828A>G (NM_001406722.1); short protein forms N1459D.
Identifiers: ClinVar variation 3679544 (VCV003679544.2).

ClinVar aggregate classification (germline): Uncertain significance (1 of 4 stars; one submission).

Conditions:
Hereditary breast ovarian cancer syndrome. Also called: Hereditary breast and ovarian cancer syndrome (HBOC); BRCA1- and BRCA2-Associated Hereditary Breast and Ovarian Cancer; Hereditary breast and/or ovarian cancer syndrome; Hereditary breast and ovarian cancer; Breast and ovarian cancer; Hereditary breast and ovarian cancer syndrome. Identifiers: Orphanet 145, MedGen C0677776, MeSH D061325, MONDO:0003582. Disease mechanism: loss of function.

Submission:

Labcorp Genetics (formerly Invitae), Labcorp
Classification: Uncertain significance for Hereditary breast ovarian cancer syndrome. Last evaluated: 2025-01-15. Review status: criteria provided, single submitter. Criteria: Invitae Variant Classification Sherloc (09022015). Collection method: clinical testing. Allele origin: germline.
Comment: This sequence change replaces asparagine, which is neutral and polar, with aspartic acid, which is acidic and polar, at codon 1459 of the BRCA2 protein (p.Asn1459Asp). This variant is not present in population databases (gnomAD no frequency). This variant has not been reported in the literature in individuals affected with BRCA2-related conditions. Invitae Evidence Modeling of protein sequence and biophysical properties (such as structural, functional, and spatial information, amino acid conservation, physicochemical variation, residue mobility, and thermodynamic stability) indicates that this missense variant is not expected to disrupt BRCA2 protein function with a negative predictive value of 95%. In summary, the available evidence is currently insufficient to determine the role of this variant in disease. Therefore, it has been classified as a Variant of Uncertain Significance.